The following is an entry in ClinVar:

NM_133625.6(SYN2):c.1585C>T (p.Gln529Ter)

Gene: SYN2 (synapsin II; plus strand). Cytogenetic location: 3p25.2.
Variant type: single nucleotide variant.
Coding change: c.1585C>T on transcript NM_133625.6 (MANE Select); coding-DNA position 1585, C replaced by T.
Protein change: p.Gln529Ter; replaces glutamine 529 with a stop codon.
Molecular consequence: nonsense.
Genome position (GRCh38, 1-based): chr3:12,187,584, C>T. VCF-style: chr3-12187584-C-T. GRCh37 (hg19) VCF-style: chr3-12229084-C-T.
Other names: short protein forms Q529*.
Identifiers: ClinVar variation 1709227 (VCV001709227.2), dbSNP rs2470279573, ClinGen allele CA351615367.

ClinVar aggregate classification (germline): Uncertain significance (1 of 4 stars; one submission).

Conditions:
Schizophrenia (SCZD). Identifiers: MedGen C0036341, MeSH D012559, MONDO:0005090, OMIM 181500, HP:0100753.

Submission:

MGZ Medical Genetics Center
Classification: Uncertain significance for Schizophrenia. Last evaluated: 2022-04-29. Review status: criteria provided, single submitter. Criteria: ACMG Guidelines, 2015. Collection method: clinical testing. Allele origin: germline. Affected: yes. Observed: 1 variant allele.
Comment: ACMG criteria applied: PVS1_MOD, PS2_SUP, PM2_SUP